The following is an entry in ClinVar:

ClinVar aggregate classification (germline): Conflicting classifications of pathogenicity. Review status: criteria provided, conflicting classifications (1 of 4 stars). 3 submissions from 3 submitters: Uncertain significance (1); Likely benign (1). 1 of the submissions does not count toward it. Last evaluated 2025-08-11.

Conditions:
SLC2A2-related disorder. Also called: SLC2A2-related condition.
Inborn genetic diseases. Identifiers: MedGen C0950123, MeSH D030342.
Fanconi-Bickel syndrome (FBS). Also called: Glycogen storage disease due to GLUT2 deficiency; PSEUDO-PHLORIZIN DIABETES; FANCONI SYNDROME WITH INTESTINAL MALABSORPTION AND GALACTOSE INTOLERANCE; HEPATIC GLYCOGENOSIS WITH AMINO ACIDURIA AND GLUCOSURIA; HEPATIC GLYCOGENOSIS WITH FANCONI NEPHROPATHY; HEPATORENAL GLYCOGENOSIS WITH RENAL FANCONI SYNDROME. Identifiers: Orphanet 2088, MedGen C3495427, MONDO:0009216, OMIM 227810.

Allele frequency attached by ClinVar (database versions not stated): ExAC 0.00001; gnomAD 0.00001; gnomAD exomes 0.00002; TOPMed 0.00002; ESP Exome Variant Server 0.00008.
gnomAD v4.1: 27 of 1,613,570 alleles (0.0017%); highest among the groups gnomAD compares: Non-Finnish European, 0.0021%; no homozygotes.

Submissions (3):

Ambry Genetics
Classification: Likely benign for Inborn genetic diseases. Last evaluated: 2025-08-11. Review status: criteria provided, single submitter. Criteria: Ambry Variant Classification Scheme 2023. Collection method: clinical testing. Allele origin: germline.

Labcorp Genetics (formerly Invitae), Labcorp
Classification: Uncertain significance for Fanconi-Bickel syndrome. Last evaluated: 2024-05-08. Review status: criteria provided, single submitter. Criteria: Invitae Variant Classification Sherloc (09022015). Collection method: clinical testing. Allele origin: germline.
Comment: This sequence change replaces isoleucine, which is neutral and non-polar, with threonine, which is neutral and polar, at codon 402 of the SLC2A2 protein (p.Ile402Thr). This variant is present in population databases (rs374702599, gnomAD 0.002%). This variant has not been reported in the literature in individuals affected with SLC2A2-related conditions. ClinVar contains an entry for this variant (Variation ID: 2191333). Advanced modeling of protein sequence and biophysical properties (such as structural, functional, and spatial information, amino acid conservation, physicochemical variation, residue mobility, and thermodynamic stability) performed at Invitae indicates that this missense variant is not expected to disrupt SLC2A2 protein function with a negative predictive value of 80%. In summary, the available evidence is currently insufficient to determine the role of this variant in disease. Therefore, it has been classified as a Variant of Uncertain Significance.

PreventionGenetics, part of Exact Sciences
Classification: Uncertain significance for SLC2A2-related condition. Last evaluated: 2023-10-18. Review status: no assertion criteria provided. Collection method: clinical testing. Allele origin: germline. Not counted in ClinVar's aggregate classification.
Comment: The SLC2A2 c.1205T>C variant is predicted to result in the amino acid substitution p.Ile402Thr. To our knowledge, this variant has not been reported in the literature. This variant is reported in 0.0018% of alleles in individuals of European (Non-Finnish) descent in gnomAD. At this time, the clinical significance of this variant is uncertain due to the absence of conclusive functional and genetic evidence.

NM_000340.2(SLC2A2):c.1205T>C (p.Ile402Thr)

Gene: SLC2A2 (solute carrier family 2 member 2; minus strand). Cytogenetic location: 3q26.2.
Variant type: single nucleotide variant.
Coding change: c.1205T>C on transcript NM_000340.2 (MANE Select); coding-DNA position 1205, T replaced by C.
Protein change: p.Ile402Thr; replaces isoleucine 402 with threonine.
Molecular consequence: missense variant.
Genome position (GRCh38, 1-based): chr3:170,998,362, A>G on the plus strand (T>C on the coding strand, the complement: SLC2A2 is on the minus strand). VCF-style: chr3-170998362-A-G. GRCh37 (hg19) VCF-style: chr3-170716151-A-G.
Other names: c.848T>C, p.Ile283Thr (NM_001278658.2); c.686T>C, p.Ile229Thr (NM_001278659.2); c.1205T>C (NM_000340.1); short protein forms I283T, I229T, I402T.
Identifiers: ClinVar variation 2191333 (VCV002191333.6), dbSNP rs374702599, ClinGen allele CA2702453.